The following is an entry in ClinVar:

NM_000312.4(PROC):c.791G>C (p.Arg264Thr)

Gene: PROC (protein C, inactivator of coagulation factors Va and VIIIa; plus strand). Cytogenetic location: 2q14.3.
Variant type: single nucleotide variant.
Coding change: c.791G>C on transcript NM_000312.4 (MANE Select); coding-DNA position 791, G replaced by C.
Protein change: p.Arg264Thr; replaces arginine 264 with threonine.
Molecular consequence: missense variant.
Genome position (GRCh38, 1-based): chr2:127,427,217, G>C. VCF-style: chr2-127427217-G-C. GRCh37 (hg19) VCF-style: chr2-128184793-G-C.
Other names: c.974G>C, p.Arg325Thr (NM_001375602.1); c.956G>C, p.Arg319Thr (NM_001375603.1); c.854G>C, p.Arg285Thr (NM_001375604.1); c.893G>C, p.Arg298Thr (NM_001375605.1); c.959G>C, p.Arg320Thr (NM_001375606.1); c.977G>C, p.Arg326Thr (NM_001375607.1); c.734G>C, p.Arg245Thr (NM_001375608.1); c.767G>C, p.Arg256Thr (NM_001375609.1); and 2 more; short protein forms R245T, R298T, R319T, R325T, R262T, R264T, R285T, R320T.
Identifiers: ClinVar variation 4752491 (VCV004752491.1).

ClinVar aggregate classification (germline): Uncertain significance (1 of 4 stars; one submission).

Conditions:
Thrombophilia due to protein C deficiency, autosomal dominant. Also called: PROC DEFICIENCY, AUTOSOMAL DOMINANT; PROTEIN C DEFICIENCY, AUTOSOMAL DOMINANT. Identifiers: Orphanet 745, MedGen C2674321, MONDO:0008316, OMIM 176860. Disease mechanism: loss of function.

Submission:

Labcorp Genetics (formerly Invitae), Labcorp
Classification: Uncertain significance for Thrombophilia due to protein C deficiency, autosomal dominant. Last evaluated: 2025-10-15. Review status: criteria provided, single submitter. Criteria: Invitae Variant Classification Sherloc (09022015). Collection method: clinical testing. Allele origin: germline.
Comment: This sequence change replaces arginine, which is basic and polar, with threonine, which is neutral and polar, at codon 264 of the PROC protein (p.Arg264Thr). This variant is not present in population databases (gnomAD no frequency). This variant has not been reported in the literature in individuals affected with PROC-related conditions. Invitae Evidence Modeling of protein sequence and biophysical properties (such as structural, functional, and spatial information, amino acid conservation, physicochemical variation, residue mobility, and thermodynamic stability) indicates that this missense variant is not expected to disrupt PROC protein function with a negative predictive value of 80%. This variant disrupts the p.Arg264 amino acid residue in PROC. Other variant(s) that disrupt this residue have been determined to be pathogenic (PMID: 24162787). This suggests that this residue is clinically significant, and that variants that disrupt this residue are likely to be disease-causing. In summary, the available evidence is currently insufficient to determine the role of this variant in disease. Therefore, it has been classified as a Variant of Uncertain Significance.

Literature cited by the submitters: PubMed 24162787.